The following is an entry in ClinVar:

NM_014727.3(KMT2B):c.1116A>G (p.Glu372=)

Gene: KMT2B (lysine methyltransferase 2B; plus strand). Cytogenetic location: 19q13.12.
Variant type: single nucleotide variant.
Coding change: c.1116A>G on transcript NM_014727.3 (MANE Select); coding-DNA position 1116, A replaced by G.
Protein change: p.Glu372=; no amino-acid change (glutamic acid 372 retained).
Molecular consequence: synonymous variant.
Genome position (GRCh38, 1-based): chr19:35,720,463, A>G. VCF-style: chr19-35720463-A-G. GRCh37 (hg19) VCF-style: chr19-36211365-A-G.
Identifiers: ClinVar variation 2649729 (VCV002649729.24), dbSNP rs748795470, ClinGen allele CA9384184.

ClinVar aggregate classification (germline): Likely benign (1 of 4 stars; one submission).

Allele frequency attached by ClinVar (database versions not stated): gnomAD exomes below 0.00001; TOPMed 0.00002; gnomAD 0.00003.
gnomAD v4.1: 10 of 1,551,822 alleles (0.00064%); highest among the groups gnomAD compares: Non-Finnish European, 0.00087%; no homozygotes.

Submission:

CeGaT Center for Human Genetics Tuebingen
Classification: Likely benign. Last evaluated: 2023-09-01. Review status: criteria provided, single submitter. Criteria: CeGaT Center For Human Genetics Tuebingen Variant Classification Criteria Version 2. Collection method: clinical testing. Allele origin: germline. Affected: yes. Observed: 1 variant allele.
Comment: KMT2B: BP4, BP7